The following is an entry in ClinVar:

NM_001267550.2(TTN):c.23076C>T (p.Cys7692=)

Gene: TTN (titin; minus strand). Cytogenetic location: 2q31.2.
Variant type: single nucleotide variant.
Coding change: c.23076C>T on transcript NM_001267550.2 (MANE Select); coding-DNA position 23076, C replaced by T.
Protein change: p.Cys7692=; no amino-acid change (cysteine 7692 retained).
Molecular consequence: synonymous variant. On other transcripts: intron variant (3).
Genome position (GRCh38, 1-based): chr2:178,720,943, G>A on the plus strand (C>T on the coding strand, the complement: TTN is on the minus strand). VCF-style: chr2-178720943-G-A. GRCh37 (hg19) VCF-style: chr2-179585670-G-A.
Other names: c.22125C>T, p.Cys7375= (NM_001256850.1); c.19344C>T, p.Cys6448= (NM_133378.4); c.13282+17139C>T (NM_003319.4); c.13858+17139C>T (NM_133437.4); c.13657+17139C>T (NM_133432.3).
Identifiers: ClinVar variation 381908 (VCV000381908.15), dbSNP rs769505705, ClinGen allele CA2000723.

ClinVar aggregate classification (germline): Conflicting classifications of pathogenicity. Review status: criteria provided, conflicting classifications (1 of 4 stars). 3 submissions from 3 submitters: Uncertain significance (1); Likely benign (2). Last evaluated 2025-12-09.

Conditions:
Dilated cardiomyopathy 1G (CMD1G). Identifiers: Orphanet 154, MedGen C1858763, MONDO:0011400, OMIM 604145.
Autosomal recessive limb-girdle muscular dystrophy type 2J (LGMDR10). Also called: Limb-girdle muscular dystrophy, type 2J; MUSCULAR DYSTROPHY, LIMB-GIRDLE, AUTOSOMAL RECESSIVE 10. Identifiers: Orphanet 140922, MedGen C1837342, MONDO:0012127, OMIM 608807.

Allele frequency attached by ClinVar (database versions not stated): gnomAD exomes 0.00001 and 0.00006; gnomAD 0.00002; ExAC 0.00004; TOPMed 0.00005.
gnomAD v4.1: 20 of 1,597,476 alleles (0.0013%); highest among the groups gnomAD compares: Admixed American, 0.017%; no homozygotes.

Submissions (3):

Labcorp Genetics (formerly Invitae), Labcorp
Classification: Likely benign for Dilated cardiomyopathy 1G; Autosomal recessive limb-girdle muscular dystrophy type 2J. Last evaluated: 2025-12-09. Review status: criteria provided, single submitter. Criteria: Invitae Variant Classification Sherloc (09022015). Collection method: clinical testing. Allele origin: germline.

Eurofins Ntd Llc (ga)
Classification: Uncertain significance. Last evaluated: 2017-08-01. Review status: criteria provided, single submitter. Criteria: EGL Classification Definitions 2015. Collection method: clinical testing. Allele origin: germline. Observed: 1 variant allele, 1 heterozygote.

GeneDx
Classification: Likely benign. Last evaluated: 2015-11-19. Review status: criteria provided, single submitter. Criteria: GeneDx Variant Classification (06012015). Collection method: clinical testing. Allele origin: germline. Affected: yes.
Comment: This variant is considered likely benign or benign based on one or more of the following criteria: it is a conservative change, it occurs at a poorly conserved position in the protein, it is predicted to be benign by multiple in silico algorithms, and/or has population frequency not consistent with disease.